The following is an entry in ClinVar:

NM_001206999.2(CIT):c.4224C>T (p.Asn1408=)

Gene: CIT (citron rho-interacting serine/threonine kinase; minus strand). Cytogenetic location: 12q24.23.
Variant type: single nucleotide variant.
Coding change: c.4224C>T on transcript NM_001206999.2 (MANE Select); coding-DNA position 4224, C replaced by T.
Protein change: p.Asn1408=; no amino-acid change (asparagine 1408 retained).
Molecular consequence: synonymous variant.
Genome position (GRCh38, 1-based): chr12:119,714,279, G>A on the plus strand (C>T on the coding strand, the complement: CIT is on the minus strand). VCF-style: chr12-119714279-G-A. GRCh37 (hg19) VCF-style: chr12-120152084-G-A.
Other names: c.4098C>T, p.Asn1366= (NM_007174.3).
Identifiers: ClinVar variation 434770 (VCV000434770.43), dbSNP rs34105832, ClinGen allele CA6821289.
Genomic context (GRCh38, chr12:119,714,279, plus strand): 5'-TCCAAAGTGCACGGTATCCAGACACACAGCACACTTTGTGGCTCGCATGTTCAGTCCTAC[G>A]TTGAATCGGTGAGGAATATTGTGGTGCATGCGTTCCTTAAGACGCCGACTAAATTCTGGA-3'
Protein context (NP_001193928.1, residues 1398-1418): RMHHNIPHRF[Asn1408=]VGLNMRATKC

ClinVar aggregate classification (germline): Benign. Review status: criteria provided, multiple submitters, no conflicts (2 of 4 stars). 5 submissions from 5 submitters: Benign (5). Last evaluated 2026-08-01.

Allele frequency attached by ClinVar (database versions not stated): 1000 Genomes Project 30x 0.00203; 1000 Genomes Project 0.00220; gnomAD 0.00524 and 0.00552; TOPMed 0.00551; ESP Exome Variant Server 0.00615; gnomAD exomes 0.00649; ExAC 0.00678.
gnomAD v4.1: 13,325 of 1,614,092 alleles (0.83%); highest among the groups gnomAD compares: South Asian, 1.1%; 71 homozygotes.

Submissions (5):

CeGaT Center for Human Genetics Tuebingen
Classification: Benign. Last evaluated: 2026-08-01. Review status: criteria provided, single submitter. Criteria: CeGaT Center For Human Genetics Tuebingen Variant Classification Criteria Version 2. Collection method: clinical testing. Allele origin: germline. Affected: yes. Observed: 30 variant alleles.
Comment: CIT: BP4, BP7, BS1, BS2

Labcorp Genetics (formerly Invitae), Labcorp
Classification: Benign. Last evaluated: 2026-02-01. Review status: criteria provided, single submitter. Criteria: Invitae Variant Classification Sherloc (09022015). Collection method: clinical testing. Allele origin: germline.

GeneDx
Classification: Benign. Last evaluated: 2019-09-13. Review status: criteria provided, single submitter. Criteria: GeneDx Variant Classification Process June 2021. Collection method: clinical testing. Allele origin: germline. Affected: yes.

Genetic Services Laboratory, University of Chicago
Classification: Benign. Last evaluated: 2018-07-14. Review status: criteria provided, single submitter. Criteria: ACMG Guidelines, 2015. Collection method: clinical testing. Allele origin: germline. Affected: no.

Breakthrough Genomics
Classification: Benign. Review status: criteria provided, single submitter. Criteria: ACMG Guidelines, 2015. Collection method: not provided. Allele origin: germline. Inheritance: Autosomal recessive inheritance. Affected: yes.